The following is an entry in ClinVar:

ClinVar aggregate classification (germline): Conflicting classifications of pathogenicity. Review status: criteria provided, conflicting classifications (1 of 4 stars). 2 submissions from 2 submitters: Uncertain significance (1); Likely benign (1). Last evaluated 2025-10-21.

Conditions:
Inborn genetic diseases. Identifiers: MedGen C0950123, MeSH D030342.
Intellectual developmental disorder, autosomal dominant 45. Also called: MENTAL RETARDATION, AUTOSOMAL DOMINANT 45; Intellectual disability, autosomal dominant 45. Identifiers: MedGen C4539848, MONDO:0030910, OMIM 617600.

Allele frequency attached by ClinVar (database versions not stated): gnomAD exomes below 0.00001 and 0.00002; ExAC 0.00001; gnomAD 0.00001; TOPMed 0.00001.
gnomAD v4.1: 7 of 1,612,852 alleles (0.00043%); highest among the groups gnomAD compares: Admixed American, 0.01%; no homozygotes.

Submissions (2):

Ambry Genetics
Classification: Likely benign for Inborn genetic diseases. Last evaluated: 2025-10-21. Review status: criteria provided, single submitter. Criteria: Ambry Variant Classification Scheme 2023. Collection method: clinical testing. Allele origin: germline.

Baylor Genetics
Classification: Uncertain significance for Intellectual developmental disorder, autosomal dominant 45. Last evaluated: 2018-02-21. Review status: criteria provided, single submitter. Criteria: ACMG Guidelines, 2015. Collection method: clinical testing. Allele origin: maternal. Affected: yes.
Comment: This variant was determined to be of uncertain significance according to ACMG Guidelines, 2015 [PMID:25741868].

NM_001386298.1(CIC):c.5455C>T (p.Pro1819Ser)

Gene: CIC (capicua transcriptional repressor; plus strand). Cytogenetic location: 19q13.2.
Variant type: single nucleotide variant.
Coding change: c.5455C>T on transcript NM_001386298.1 (MANE Select); coding-DNA position 5455, C replaced by T.
Protein change: p.Pro1819Ser; replaces proline 1819 with serine.
Molecular consequence: missense variant.
Genome position (GRCh38, 1-based): chr19:42,291,587, C>T. VCF-style: chr19-42291587-C-T. GRCh37 (hg19) VCF-style: chr19-42795739-C-T.
Other names: c.5455C>T, p.Pro1819Ser (NM_001304815.2, NM_001379480.1, NM_001379482.1); c.2728C>T, p.Pro910Ser (NM_001379484.1, NM_001379485.1, NM_015125.5); short protein forms P910S, P1819S.
Identifiers: ClinVar variation 1033735 (VCV001033735.2), dbSNP rs778737030, ClinGen allele CA9472348.
Genomic context (GRCh38, chr19:42,291,587, plus strand): 5'-ACCTTTTCCTTTCTTGCCTCTTAACTTCCAGCCCAGTCAGTTTCTCCCGTGCAGGCCCCG[C>T]CCCCGGGTGGCTCAGCCCAGCTGCTGCCTGGGAAGGTCCTAGTGCCTCTGGCCGCCCCTA-3'
Protein context (NP_001373227.1, residues 1809-1829): AQSVSPVQAP[Pro1819Ser]PGGSAQLLPG